The following is an entry in ClinVar:

ClinVar aggregate classification (germline): Likely benign (0 of 4 stars; one submission).

Conditions:
PROK2-related disorder. Also called: PROK2-related condition.

Allele frequency attached by ClinVar (database versions not stated): TOPMed 0.00002.

Submission:

PreventionGenetics, part of Exact Sciences
Classification: Likely benign for PROK2-related condition. Last evaluated: 2022-11-03. Review status: no assertion criteria provided. Collection method: clinical testing. Allele origin: germline.
Comment: This variant is classified as likely benign based on ACMG/AMP sequence variant interpretation guidelines (Richards et al. 2015 PMID: 25741868, with internal and published modifications).

NM_001126128.2(PROK2):c.30G>T (p.Leu10=)

Gene: PROK2 (prokineticin 2; minus strand). Cytogenetic location: 3p13.
Variant type: single nucleotide variant.
Coding change: c.30G>T on transcript NM_001126128.2 (MANE Select); coding-DNA position 30, G replaced by T.
Protein change: p.Leu10=; no amino-acid change (leucine 10 retained).
Molecular consequence: synonymous variant.
Genome position (GRCh38, 1-based): chr3:71,785,023, C>A on the plus strand (G>T on the coding strand, the complement: PROK2 is on the minus strand). VCF-style: chr3-71785023-C-A. GRCh37 (hg19) VCF-style: chr3-71834174-C-A.
Other names: c.30G>T, p.Leu10= (NM_021935.4).
Identifiers: ClinVar variation 3058278 (VCV003058278.2), dbSNP rs944502729, ClinGen allele CA76548325.